The following is an entry in ClinVar:

NM_020937.4(FANCM):c.4762A>G (p.Ile1588Val)

Gene: FANCM (FA complementation group M; plus strand). Cytogenetic location: 14q21.2.
Variant type: single nucleotide variant.
Coding change: c.4762A>G on transcript NM_020937.4 (MANE Select); coding-DNA position 4762, A replaced by G.
Protein change: p.Ile1588Val; replaces isoleucine 1588 with valine.
Molecular consequence: missense variant.
Genome position (GRCh38, 1-based): chr14:45,187,870, A>G. VCF-style: chr14-45187870-A-G. GRCh37 (hg19) VCF-style: chr14-45657073-A-G.
Other names: c.4684A>G, p.Ile1562Val (NM_001308133.2); short protein forms I1562V, I1588V.
Identifiers: ClinVar variation 1310845 (VCV001310845.9), dbSNP rs910499638, ClinGen allele CA259635447.

ClinVar aggregate classification (germline): Uncertain significance. Review status: criteria provided, multiple submitters, no conflicts (2 of 4 stars). 2 submissions from 2 submitters: Uncertain significance (2). Last evaluated 2024-03-15.

Conditions:
Fanconi anemia (FA). Also called: Fanconi's anemia. Identifiers: Orphanet 84, MedGen C0015625, MeSH D005199, MONDO:0019391.

Allele frequency attached by ClinVar (database versions not stated): gnomAD exomes below 0.00001; gnomAD 0.00001; TOPMed 0.00001.
gnomAD v4.1: 4 of 1,509,358 alleles (0.00027%); highest among the groups gnomAD compares: African/African-American, 0.0014%; no homozygotes.

Submissions (2):

Labcorp Genetics (formerly Invitae), Labcorp
Classification: Uncertain significance for Fanconi anemia. Last evaluated: 2024-03-15. Review status: criteria provided, single submitter. Criteria: Invitae Variant Classification Sherloc (09022015). Collection method: clinical testing. Allele origin: germline.
Comment: This sequence change replaces isoleucine, which is neutral and non-polar, with valine, which is neutral and non-polar, at codon 1588 of the FANCM protein (p.Ile1588Val). This variant is present in population databases (no rsID available, gnomAD no frequency). This variant has not been reported in the literature in individuals affected with FANCM-related conditions. ClinVar contains an entry for this variant (Variation ID: 1310845). Algorithms developed to predict the effect of missense changes on protein structure and function output the following: SIFT: "Not Available"; PolyPhen-2: "Benign"; Align-GVGD: "Not Available". The valine amino acid residue is found in multiple mammalian species, which suggests that this missense change does not adversely affect protein function. In summary, the available evidence is currently insufficient to determine the role of this variant in disease. Therefore, it has been classified as a Variant of Uncertain Significance.

GeneDx
Classification: Uncertain significance. Last evaluated: 2019-11-27. Review status: criteria provided, single submitter. Criteria: GeneDx Variant Classification Process June 2021. Collection method: clinical testing. Allele origin: germline. Affected: yes.
Comment: Not observed at a significant frequency in large population cohorts (Lek 2016); In silico analysis, which includes protein predictors and evolutionary conservation, supports that this variant does not alter protein structure/function; Has not been previously published as pathogenic or benign to our knowledge